The following is an entry in ClinVar:

NM_000046.5(ARSB):c.189_190insA (p.Gly64fs)

Genes: ARSB (arylsulfatase B; minus strand), LOC129994126 (ATAC-STARR-seq lymphoblastoid silent region 16127; plus strand). Cytogenetic location: 5q14.1.
Variant type: Insertion.
Coding change: c.189_190insA on transcript NM_000046.5 (MANE Select); coding-DNA positions 189 to 190, A inserted.
Protein change: p.Gly64fs; shifts the reading frame from glycine 64.
Molecular consequence: frameshift variant.
Genome position: GRCh38 VCF-style: chr5-78985059-C-CT. GRCh37 (hg19) VCF-style: chr5-78280882-C-CT.
Other names: NP_000037.2:G64Rfs*63; c.189_190insA, p.Gly64fs (NM_198709.3); short protein forms G64fs.
Identifiers: ClinVar variation 445288 (VCV000445288.2), dbSNP rs1554032196, ClinGen allele CA658796537.

ClinVar aggregate classification (germline): Pathogenic (1 of 4 stars; one submission).

Conditions:
Mucopolysaccharidosis type 6 (MPS6). Also called: N-ACETYLGALACTOSAMINE-4-SULFATASE DEFICIENCY; MPS 6; Maroteaux Lamy syndrome; MPS VI; ARSB DEFICIENCY; ARYLSULFATASE B DEFICIENCY. Identifiers: Orphanet 583, MedGen C0026709, MONDO:0009661, OMIM 253200.

Submission:

Medical Molecular Genetics Department, National Research Center
Classification: Pathogenic for Mucopolysaccharidosis type 6. Last evaluated: 2015-12-01. Review status: criteria provided, single submitter. Criteria: ACMG Guidelines, 2015. Collection method: research. Allele origin: germline. Affected: yes. Observed: 2 variant alleles.
Comment: Homozygous/ compound heterozygous with NM_000046.4:c.245T>G